The following is an entry in ClinVar:

NM_001271.4(CHD2):c.4990C>G (p.Gln1664Glu)

Gene: CHD2 (chromodomain helicase DNA binding protein 2; plus strand). Cytogenetic location: 15q26.1.
Variant type: single nucleotide variant.
Coding change: c.4990C>G on transcript NM_001271.4 (MANE Select); coding-DNA position 4990, C replaced by G.
Protein change: p.Gln1664Glu; replaces glutamine 1664 with glutamic acid.
Molecular consequence: missense variant.
Genome position (GRCh38, 1-based): chr15:93,020,095, C>G. VCF-style: chr15-93020095-C-G. GRCh37 (hg19) VCF-style: chr15-93563325-C-G.
Other names: short protein forms Q1664E.
Identifiers: ClinVar variation 385240 (VCV000385240.5), dbSNP rs1057522158, ClinGen allele CA16607964.

ClinVar aggregate classification (germline): Conflicting classifications of pathogenicity. Review status: criteria provided, conflicting classifications (1 of 4 stars). 2 submissions from 2 submitters: Uncertain significance (1); Likely benign (1). Last evaluated 2016-12-12.

Conditions:
Inborn genetic diseases. Identifiers: MedGen C0950123, MeSH D030342.

Submissions (2):

Ambry Genetics
Classification: Uncertain significance for Inborn genetic diseases. Last evaluated: 2016-12-12. Review status: criteria provided, single submitter. Criteria: Ambry Variant Classification Scheme 2023. Collection method: clinical testing. Allele origin: germline.
Comment: The p.Q1664E variant (also known as c.4990C>G), located in coding exon 37 of the CHD2 gene, results from a C to G substitution at nucleotide position 4990. The glutamine at codon 1664 is replaced by glutamic acid, an amino acid with highly similar properties. This amino acid position is not well conserved in available vertebrate species. In addition, this alteration is predicted to be tolerated by in silico analysis. Since supporting evidence is limited at this time, the clinical significance of this variant remains unclear.

GeneDx
Classification: Likely benign. Last evaluated: 2016-07-14. Review status: criteria provided, single submitter. Criteria: GeneDx Variant Classification (06012015). Collection method: clinical testing. Allele origin: germline. Affected: yes.
Comment: This variant is considered likely benign or benign based on one or more of the following criteria: it is a conservative change, it occurs at a poorly conserved position in the protein, it is predicted to be benign by multiple in silico algorithms, and/or has population frequency not consistent with disease.